The following is an entry in ClinVar:

NM_020975.6(RET):c.2522C>A (p.Pro841Gln)

Gene: RET (ret proto-oncogene; plus strand). Cytogenetic location: 10q11.21.
Variant type: single nucleotide variant.
Coding change: c.2522C>A on transcript NM_020975.6 (MANE Select); coding-DNA position 2522, C replaced by A.
Protein change: p.Pro841Gln; replaces proline 841 with glutamine.
Molecular consequence: missense variant.
Genome position (GRCh38, 1-based): chr10:43,119,660, C>A. VCF-style: chr10-43119660-C-A. GRCh37 (hg19) VCF-style: chr10-43615108-C-A.
Other names: c.2522C>A, p.Pro841Gln (NM_000323.2, NM_001406743.1, NM_001406744.1 and 4 more transcripts); c.1760C>A, p.Pro587Gln (NM_001355216.2); c.2393C>A, p.Pro798Gln (NM_001406761.1, NM_001406762.1, NM_001406764.1); c.2387C>A, p.Pro796Gln (NM_001406763.1, NM_001406765.1); c.2234C>A, p.Pro745Gln (NM_001406766.1, NM_001406767.1, NM_001406770.1); c.2258C>A, p.Pro753Gln (NM_001406768.1); c.2126C>A, p.Pro709Gln (NM_001406769.1, NM_001406772.1); c.2084C>A, p.Pro695Gln (NM_001406771.1, NM_001406773.1); and 10 more; short protein forms P446Q, P502Q, P511Q, P796Q, P358Q, P406Q, P499Q, P542Q.
Identifiers: ClinVar variation 2917954 (VCV002917954.4), dbSNP rs149891333, ClinGen allele CA376556443.

ClinVar aggregate classification (germline): Uncertain significance. Review status: criteria provided, multiple submitters, no conflicts (2 of 4 stars). 2 submissions from 2 submitters: Uncertain significance (2). Last evaluated 2025-09-10.

Conditions:
Hereditary cancer-predisposing syndrome. Also called: Neoplastic Syndromes, Hereditary; Tumor predisposition; Hereditary Cancer Syndrome; Hereditary neoplastic syndrome. Identifiers: Orphanet 140162, MedGen C0027672, MeSH D009386, MONDO:0015356.
Multiple endocrine neoplasia, type 2 (MEN2). Identifiers: Orphanet 653, MedGen C4048306, MONDO:0019003. Disease mechanism: gain of function.

Submissions (2):

Ambry Genetics
Classification: Uncertain significance for Hereditary cancer-predisposing syndrome. Last evaluated: 2025-09-10. Review status: criteria provided, single submitter. Criteria: Ambry Variant Classification Scheme 2023. Collection method: clinical testing. Allele origin: germline.
Comment: The p.P841Q variant (also known as c.2522C>A), located in coding exon 14 of the RET gene, results from a C to A substitution at nucleotide position 2522. The proline at codon 841 is replaced by glutamine, an amino acid with similar properties. This amino acid position is highly conserved in available vertebrate species. In addition, the in silico prediction for this alteration is inconclusive. Based on the available evidence, the clinical significance of this variant remains unclear.

Labcorp Genetics (formerly Invitae), Labcorp
Classification: Uncertain significance for Multiple endocrine neoplasia, type 2. Last evaluated: 2022-12-15. Review status: criteria provided, single submitter. Criteria: Invitae Variant Classification Sherloc (09022015). Collection method: clinical testing. Allele origin: germline.
Comment: In summary, the available evidence is currently insufficient to determine the role of this variant in disease. Therefore, it has been classified as a Variant of Uncertain Significance. Algorithms developed to predict the effect of missense changes on protein structure and function (SIFT, PolyPhen-2, Align-GVGD) all suggest that this variant is likely to be tolerated. This variant has not been reported in the literature in individuals affected with RET-related conditions. This variant is not present in population databases (gnomAD no frequency). This sequence change replaces proline, which is neutral and non-polar, with glutamine, which is neutral and polar, at codon 841 of the RET protein (p.Pro841Gln).